The following is an entry in ClinVar:

NM_002691.4(POLD1):c.385G>C (p.Gly129Arg)

Gene: POLD1 (DNA polymerase delta 1, catalytic subunit; plus strand). Cytogenetic location: 19q13.33.
Variant type: single nucleotide variant.
Coding change: c.385G>C on transcript NM_002691.4 (MANE Select); coding-DNA position 385, G replaced by C.
Protein change: p.Gly129Arg; replaces glycine 129 with arginine.
Molecular consequence: missense variant. On other transcripts: non-coding transcript variant (1).
Genome position (GRCh38, 1-based): chr19:50,401,846, G>C. VCF-style: chr19-50401846-G-C. GRCh37 (hg19) VCF-style: chr19-50905103-G-C.
Other names: c.385G>C, p.Gly129Arg (NM_001256849.1, NM_001308632.1, NM_001438210.1 and 3 more transcripts); short protein forms G129R.
Identifiers: ClinVar variation 4669454 (VCV004669454.1).

ClinVar aggregate classification (germline): Uncertain significance (1 of 4 stars; one submission).

Conditions:
Hereditary cancer-predisposing syndrome. Also called: Neoplastic Syndromes, Hereditary; Tumor predisposition; Hereditary Cancer Syndrome; Hereditary neoplastic syndrome. Identifiers: Orphanet 140162, MedGen C0027672, MeSH D009386, MONDO:0015356.

gnomAD v4.1: 1 of 1,613,892 alleles (0.000062%); highest among the groups gnomAD compares: Admixed American, 0.0017%; no homozygotes.

Submission:

Ambry Genetics
Classification: Uncertain significance for Hereditary cancer-predisposing syndrome. Last evaluated: 2025-12-04. Review status: criteria provided, single submitter. Criteria: Ambry Variant Classification Scheme 2023. Collection method: clinical testing. Allele origin: germline.
Comment: The p.G129R variant (also known as c.385G>C), located in coding exon 3 of the POLD1 gene, results from a G to C substitution at nucleotide position 385. The glycine at codon 129 is replaced by arginine, an amino acid with dissimilar properties. This amino acid position is highly conserved in available vertebrate species. In addition, this alteration is predicted to be deleterious by in silico analysis. Based on the available evidence, the clinical significance of this variant remains unclear.